The following is an entry in ClinVar:

NM_001378964.1(CDON):c.707G>A (p.Arg236His)

Gene: CDON (cell adhesion associated, oncogene regulated; minus strand). Cytogenetic location: 11q24.2.
Variant type: single nucleotide variant.
Coding change: c.707G>A on transcript NM_001378964.1 (MANE Select); coding-DNA position 707, G replaced by A.
Protein change: p.Arg236His; replaces arginine 236 with histidine.
Molecular consequence: missense variant.
Genome position (GRCh38, 1-based): chr11:126,017,309, C>T on the plus strand (G>A on the coding strand, the complement: CDON is on the minus strand). VCF-style: chr11-126017309-C-T. GRCh37 (hg19) VCF-style: chr11-125887204-C-T.
Other names: c.707G>A, p.Arg236His (NM_001243597.3, NM_001441161.1, NM_001441162.1 and 5 more transcripts); short protein forms R236H.
Identifiers: ClinVar variation 4798180 (VCV004798180.1).

ClinVar aggregate classification (germline): Uncertain significance (1 of 4 stars; one submission).

Conditions:
Holoprosencephaly 11 (HPE11). Identifiers: Orphanet 2162, MedGen C3280215, MONDO:0013642, OMIM 614226.

gnomAD v4.1: 42 of 1,613,984 alleles (0.0026%); highest among the groups gnomAD compares: African/African-American, 0.031%; 1 homozygote.

Submission:

Labcorp Genetics (formerly Invitae), Labcorp
Classification: Uncertain significance for Holoprosencephaly 11. Last evaluated: 2025-10-21. Review status: criteria provided, single submitter. Criteria: Invitae Variant Classification Sherloc (09022015). Collection method: clinical testing. Allele origin: germline.
Comment: This sequence change replaces arginine, which is basic and polar, with histidine, which is basic and polar, at codon 236 of the CDON protein (p.Arg236His). This variant is present in population databases (rs148250074, gnomAD 0.02%). This variant has not been reported in the literature in individuals affected with CDON-related conditions. Invitae Evidence Modeling of protein sequence and biophysical properties (such as structural, functional, and spatial information, amino acid conservation, physicochemical variation, residue mobility, and thermodynamic stability) indicates that this missense variant is not expected to disrupt CDON protein function with a negative predictive value of 80%. In summary, the available evidence is currently insufficient to determine the role of this variant in disease. Therefore, it has been classified as a Variant of Uncertain Significance.